The following is an entry in ClinVar:

ClinVar aggregate classification (germline): Uncertain significance (1 of 4 stars; one submission).

Conditions:
Myofibrillar myopathy 5. Also called: FILAMINOPATHY, AUTOSOMAL DOMINANT; Filaminopathy (type). Identifiers: Orphanet 171445, MedGen C1836050, MONDO:0012289, OMIM 609524.
Hypertrophic cardiomyopathy 26. Also called: Cardiomyopathy, familial hypertrophic, 26. Identifiers: Orphanet 75249, MedGen C4310749, MONDO:0014883, OMIM 617047.
Distal myopathy with posterior leg and anterior hand involvement. Also called: WILLIAMS DISTAL MYOPATHY. Identifiers: Orphanet 63273, MedGen C3279722, MONDO:0013550, OMIM 614065.

Submission:

Labcorp Genetics (formerly Invitae), Labcorp
Classification: Uncertain significance for Distal myopathy with posterior leg and anterior hand involvement; Myofibrillar myopathy 5; Hypertrophic cardiomyopathy 26. Last evaluated: 2025-11-10. Review status: criteria provided, single submitter. Criteria: Invitae Variant Classification Sherloc (09022015). Collection method: clinical testing. Allele origin: germline.
Comment: This sequence change replaces glycine, which is neutral and non-polar, with serine, which is neutral and polar, at codon 419 of the FLNC protein (p.Gly419Ser). This variant is not present in population databases (gnomAD no frequency). This variant has not been reported in the literature in individuals affected with FLNC-related conditions. ClinVar contains an entry for this variant (Variation ID: 2195390). Invitae Evidence Modeling of protein sequence and biophysical properties (such as structural, functional, and spatial information, amino acid conservation, physicochemical variation, residue mobility, and thermodynamic stability) has been performed for this missense variant. However, the output from this modeling did not meet the statistical confidence thresholds required to predict the impact of this variant on FLNC protein function. In summary, the available evidence is currently insufficient to determine the role of this variant in disease. Therefore, it has been classified as a Variant of Uncertain Significance.

NM_001458.5(FLNC):c.1255G>A (p.Gly419Ser)

Gene: FLNC (filamin C; plus strand). Cytogenetic location: 7q32.1.
Variant type: single nucleotide variant.
Coding change: c.1255G>A on transcript NM_001458.5 (MANE Select); coding-DNA position 1255, G replaced by A.
Protein change: p.Gly419Ser; replaces glycine 419 with serine.
Molecular consequence: missense variant.
Genome position (GRCh38, 1-based): chr7:128,838,647, G>A. VCF-style: chr7-128838647-G-A. GRCh37 (hg19) VCF-style: chr7-128478701-G-A.
Other names: c.1255G>A, p.Gly419Ser (NM_001127487.2); short protein forms G419S.
Identifiers: ClinVar variation 2195390 (VCV002195390.3), dbSNP rs2536622012, ClinGen allele CA369224463.